The following is an entry in ClinVar:

ClinVar aggregate classification (germline): Uncertain significance (1 of 4 stars; one submission).

Conditions:
Hereditary diffuse gastric adenocarcinoma (HDGC). Also called: DIFFUSE GASTRIC AND LOBULAR BREAST CANCER SYNDROME. Identifiers: Orphanet 26106, MedGen C1708349, MONDO:0007648, OMIM 137215.

Submission:

Labcorp Genetics (formerly Invitae), Labcorp
Classification: Uncertain significance for Hereditary diffuse gastric adenocarcinoma. Last evaluated: 2022-07-12. Review status: criteria provided, single submitter. Criteria: Invitae Variant Classification Sherloc (09022015). Collection method: clinical testing. Allele origin: germline.
Comment: In summary, the available evidence is currently insufficient to determine the role of this variant in disease. Therefore, it has been classified as a Variant of Uncertain Significance. Algorithms developed to predict the effect of sequence changes on RNA splicing suggest that this variant may create or strengthen a splice site. Algorithms developed to predict the effect of missense changes on protein structure and function output the following: SIFT: "Tolerated"; PolyPhen-2: "Benign"; Align-GVGD: "Class C0". The lysine amino acid residue is found in multiple mammalian species, which suggests that this missense change does not adversely affect protein function. ClinVar contains an entry for this variant (Variation ID: 1395260). This variant has not been reported in the literature in individuals affected with CDH1-related conditions. This variant is not present in population databases (gnomAD no frequency). This sequence change replaces arginine, which is basic and polar, with lysine, which is basic and polar, at codon 734 of the CDH1 protein (p.Arg734Lys).

NM_004360.5(CDH1):c.2201G>A (p.Arg734Lys)

Gene: CDH1 (cadherin 1; plus strand). Cytogenetic location: 16q22.1.
Variant type: single nucleotide variant.
Coding change: c.2201G>A on transcript NM_004360.5 (MANE Select); coding-DNA position 2201, G replaced by A.
Protein change: p.Arg734Lys; replaces arginine 734 with lysine.
Molecular consequence: missense variant.
Genome position (GRCh38, 1-based): chr16:68,828,210, G>A. VCF-style: chr16-68828210-G-A. GRCh37 (hg19) VCF-style: chr16-68862113-G-A.
Other names: c.2018G>A, p.Arg673Lys (NM_001317184.2); c.653G>A, p.Arg218Lys (NM_001317185.2); c.236G>A, p.Arg79Lys (NM_001317186.2); short protein forms R734K, R218K, R673K, R79K.
Identifiers: ClinVar variation 1395260 (VCV001395260.8), dbSNP rs587781859, ClinGen allele CA396469522.